The following is an entry in ClinVar:

ClinVar aggregate classification (germline): Uncertain significance (1 of 4 stars; one submission).

Conditions:
Microcephaly, epilepsy, and diabetes syndrome. Identifiers: Orphanet 306558, MedGen C3280240, MONDO:0100328.

Allele frequency attached by ClinVar (database versions not stated): gnomAD 0.00001; TOPMed 0.00001.

Submission:

Labcorp Genetics (formerly Invitae), Labcorp
Classification: Uncertain significance for Microcephaly, epilepsy, and diabetes syndrome. Last evaluated: 2022-07-26. Review status: criteria provided, single submitter. Criteria: Invitae Variant Classification Sherloc (09022015). Collection method: clinical testing. Allele origin: germline.
Comment: This sequence change affects the initiator methionine of the IER3IP1 mRNA. The next in-frame methionine is located at codon 53. This variant is not present in population databases (gnomAD no frequency). Disruption of the initiator codon has been observed in individual(s) with type 1 diabetes (PMID: 31264968). ClinVar contains an entry for this variant (Variation ID: 1039072). In summary, the available evidence is currently insufficient to determine the role of this variant in disease. Therefore, it has been classified as a Variant of Uncertain Significance.

Literature cited by the submitters: PubMed 31264968.

NM_016097.5(IER3IP1):c.2T>C (p.Met1Thr)

Genes: IER3IP1 (immediate early response 3 interacting protein 1; minus strand), LOC130062441 (ATAC-STARR-seq lymphoblastoid active region 13285; plus strand). Cytogenetic location: 18q21.1.
Variant type: single nucleotide variant.
Coding change: c.2T>C on transcript NM_016097.5 (MANE Select); coding-DNA position 2, T replaced by C.
Protein change: p.Met1Thr; changes the start codon (methionine 1).
Molecular consequence: missense variant, initiator codon variant.
Genome position (GRCh38, 1-based): chr18:47,176,276, A>G on the plus strand (T>C on the coding strand, the complement: IER3IP1 is on the minus strand). VCF-style: chr18-47176276-A-G. GRCh37 (hg19) VCF-style: chr18-44702647-A-G.
Other names: short protein forms M1T.
Identifiers: ClinVar variation 1039072 (VCV001039072.8), dbSNP rs983642731, ClinGen allele CA300179319.